The following is an entry in ClinVar:

NM_002734.5(PRKAR1A):c.581T>G (p.Val194Gly)

Gene: PRKAR1A (protein kinase cAMP-dependent type I regulatory subunit alpha; plus strand). Cytogenetic location: 17q24.2.
Variant type: single nucleotide variant.
Coding change: c.581T>G on transcript NM_002734.5 (MANE Select); coding-DNA position 581, T replaced by G.
Protein change: p.Val194Gly; replaces valine 194 with glycine.
Molecular consequence: missense variant.
Genome position (GRCh38, 1-based): chr17:68,525,785, T>G. VCF-style: chr17-68525785-T-G. GRCh37 (hg19) VCF-style: chr17-66521926-T-G.
Other names: c.581T>G, p.Val194Gly (NM_001276289.2, NM_001276290.1, NM_001278433.2 and 4 more transcripts); short protein forms V194G.
Identifiers: ClinVar variation 1721326 (VCV001721326.5), dbSNP rs2143322094, ClinGen allele CA400753122.

ClinVar aggregate classification (germline): Uncertain significance (1 of 4 stars; one submission).

Conditions:
Carney complex, type 1 (CNC1). Also called: CARNEY MYXOMA-ENDOCRINE COMPLEX; CARNEY COMPLEX, TYPE I. Identifiers: Orphanet 1359, MedGen C2607929, MONDO:0008057, OMIM 160980.

Submission:

Labcorp Genetics (formerly Invitae), Labcorp
Classification: Uncertain significance for Carney complex, type 1. Last evaluated: 2022-10-09. Review status: criteria provided, single submitter. Criteria: Invitae Variant Classification Sherloc (09022015). Collection method: clinical testing. Allele origin: germline.
Comment: In summary, the available evidence is currently insufficient to determine the role of this variant in disease. Therefore, it has been classified as a Variant of Uncertain Significance. Advanced modeling of protein sequence and biophysical properties (such as structural, functional, and spatial information, amino acid conservation, physicochemical variation, residue mobility, and thermodynamic stability) performed at Invitae indicates that this missense variant is not expected to disrupt PRKAR1A protein function. This variant has not been reported in the literature in individuals affected with PRKAR1A-related conditions. This variant is not present in population databases (gnomAD no frequency). This sequence change replaces valine, which is neutral and non-polar, with glycine, which is neutral and non-polar, at codon 194 of the PRKAR1A protein (p.Val194Gly).